The following is an entry in ClinVar:

NM_006828.4(ASCC3):c.4761G>T (p.Gln1587His)

Gene: ASCC3 (activating signal cointegrator 1 complex subunit 3; minus strand). Cytogenetic location: 6q16.3.
Variant type: single nucleotide variant.
Coding change: c.4761G>T on transcript NM_006828.4 (MANE Select); coding-DNA position 4761, G replaced by T.
Protein change: p.Gln1587His; replaces glutamine 1587 with histidine.
Molecular consequence: missense variant.
Genome position (GRCh38, 1-based): chr6:100,625,216, C>A on the plus strand (G>T on the coding strand, the complement: ASCC3 is on the minus strand). VCF-style: chr6-100625216-C-A. GRCh37 (hg19) VCF-style: chr6-101073092-C-A.
Other names: short protein forms Q1587H.
Identifiers: ClinVar variation 4795753 (VCV004795753.1).

ClinVar aggregate classification (germline): Uncertain significance (1 of 4 stars; one submission).

gnomAD v4.1: 3 of 1,612,706 alleles (0.00019%); highest among the groups gnomAD compares: African/African-American, 0.0013%; no homozygotes.

Submission:

GeneDx
Classification: Uncertain significance. Last evaluated: 2025-08-12. Review status: criteria provided, single submitter. Criteria: GeneDx Variant Classification Process June 2021. Collection method: clinical testing. Allele origin: germline. Affected: yes.
Comment: Not observed at significant frequency in large population cohorts (gnomAD); In silico analysis supports that this missense variant has a deleterious effect on protein structure/function; Has not been previously published as pathogenic or benign to our knowledge